The following is an entry in ClinVar:

ClinVar aggregate classification (germline): Uncertain significance (1 of 4 stars; one submission).

Conditions:
Multiple congenital anomalies-hypotonia-seizures syndrome 1 (MCAHS1). Also called: PIGN-CDG; GLYCOSYLPHOSPHATIDYLINOSITOL BIOSYNTHESIS DEFECT 3; Congenital disorder of glycosylation due to PIGN deficiency. Identifiers: Orphanet 280633, MedGen C3279775, MONDO:0013563, OMIM 614080.

Allele frequency attached by ClinVar (database versions not stated): gnomAD exomes below 0.00001.
gnomAD v4.1: 1 of 1,519,288 alleles (0.000066%); highest among the groups gnomAD compares: Non-Finnish European, 0.00009%; no homozygotes.

Submission:

Labcorp Genetics (formerly Invitae), Labcorp
Classification: Uncertain significance for Multiple congenital anomalies-hypotonia-seizures syndrome 1. Last evaluated: 2025-07-21. Review status: criteria provided, single submitter. Criteria: Invitae Variant Classification Sherloc (09022015). Collection method: clinical testing. Allele origin: germline.
Comment: This sequence change replaces serine, which is neutral and polar, with phenylalanine, which is neutral and non-polar, at codon 618 of the PIGN protein (p.Ser618Phe). This variant is not present in population databases (gnomAD no frequency). This variant has not been reported in the literature in individuals affected with PIGN-related conditions. ClinVar contains an entry for this variant (Variation ID: 660409). Invitae Evidence Modeling of protein sequence and biophysical properties (such as structural, functional, and spatial information, amino acid conservation, physicochemical variation, residue mobility, and thermodynamic stability) indicates that this missense variant is not expected to disrupt PIGN protein function with a negative predictive value of 80%. In summary, the available evidence is currently insufficient to determine the role of this variant in disease. Therefore, it has been classified as a Variant of Uncertain Significance.

NM_176787.5(PIGN):c.1853C>T (p.Ser618Phe)

Gene: PIGN (phosphatidylinositol glycan anchor biosynthesis class N; minus strand). Cytogenetic location: 18q21.33.
Variant type: single nucleotide variant.
Coding change: c.1853C>T on transcript NM_176787.5 (MANE Select); coding-DNA position 1853, C replaced by T.
Protein change: p.Ser618Phe; replaces serine 618 with phenylalanine.
Molecular consequence: missense variant.
Genome position (GRCh38, 1-based): chr18:62,105,549, G>A on the plus strand (C>T on the coding strand, the complement: PIGN is on the minus strand). VCF-style: chr18-62105549-G-A. GRCh37 (hg19) VCF-style: chr18-59772782-G-A.
Other names: c.1853C>T, p.Ser618Phe (NM_012327.6); short protein forms S618F.
Identifiers: ClinVar variation 660409 (VCV000660409.7), dbSNP rs1599531404, ClinGen allele CA402604294.